The following is an entry in ClinVar:

NM_003151.4(STAT4):c.630+4A>G

Gene: STAT4 (signal transducer and activator of transcription 4; minus strand). Cytogenetic location: 2q32.2.
Variant type: single nucleotide variant.
Coding change: c.630+4A>G on transcript NM_003151.4 (MANE Select); 4 bases into the intron after coding-DNA position 630, A replaced by G.
Molecular consequence: intron variant.
Genome position (GRCh38, 1-based): chr2:191,066,426, T>C on the plus strand (A>G on the coding strand, the complement: STAT4 is on the minus strand). VCF-style: chr2-191066426-T-C. GRCh37 (hg19) VCF-style: chr2-191931152-T-C.
Other names: c.630+4A>G (NM_001243835.2).
Identifiers: ClinVar variation 1522299 (VCV001522299.4), dbSNP rs190880718, ClinGen allele CA2030839.

ClinVar aggregate classification (germline): Uncertain significance (1 of 4 stars; one submission).

Allele frequency attached by ClinVar (database versions not stated): gnomAD exomes below 0.00001; ExAC 0.00001; gnomAD 0.00001; TOPMed 0.00003; 1000 Genomes Project 0.00020; 1000 Genomes Project 30x 0.00031.
gnomAD v4.1: 4 of 1,612,438 alleles (0.00025%); highest among the groups gnomAD compares: Admixed American, 0.0033%; no homozygotes.

Submission:

Labcorp Genetics (formerly Invitae), Labcorp
Classification: Uncertain significance. Last evaluated: 2025-12-11. Review status: criteria provided, single submitter. Criteria: Invitae Variant Classification Sherloc (09022015). Collection method: clinical testing. Allele origin: germline.
Comment: This sequence change falls in intron 7 of the STAT4 gene. It does not directly change the encoded amino acid sequence of the STAT4 protein. It affects a nucleotide within the consensus splice site. This variant is not present in population databases (gnomAD no frequency). This variant has not been reported in the literature in individuals affected with STAT4-related conditions. ClinVar contains an entry for this variant (Variation ID: 1522299). Variants that disrupt the consensus splice site are a relatively common cause of aberrant splicing (PMID: 17576681, 9536098). Algorithms developed to predict the effect of sequence changes on RNA splicing suggest that this variant is not likely to affect RNA splicing. In summary, the available evidence is currently insufficient to determine the role of this variant in disease. Therefore, it has been classified as a Variant of Uncertain Significance.

Literature cited by the submitters: PubMed 17576681; PubMed 9536098.